The following is an entry in ClinVar:

NM_018418.5(SPATA7):c.665G>C (p.Ser222Thr)

Gene: SPATA7 (spermatogenesis associated 7; plus strand). Cytogenetic location: 14q31.3.
Variant type: single nucleotide variant.
Coding change: c.665G>C on transcript NM_018418.5 (MANE Select); coding-DNA position 665, G replaced by C.
Protein change: p.Ser222Thr; replaces serine 222 with threonine.
Molecular consequence: missense variant.
Genome position (GRCh38, 1-based): chr14:88,426,524, G>C. VCF-style: chr14-88426524-G-C. GRCh37 (hg19) VCF-style: chr14-88892868-G-C.
Other names: c.569G>C, p.Ser190Thr (NM_001040428.4); short protein forms S190T, S222T.
Identifiers: ClinVar variation 1053513 (VCV001053513.9), dbSNP rs781595295, ClinGen allele CA7298570.

ClinVar aggregate classification (germline): Uncertain significance (1 of 4 stars; one submission).

Conditions:
Leber congenital amaurosis 3 (LCA3). Also called: SPATA7-Related Retinitis Pigmentosa. Identifiers: MedGen C1858677, MONDO:0011415, OMIM 604232.

Allele frequency attached by ClinVar (database versions not stated): gnomAD exomes below 0.00001; ExAC 0.00001.
gnomAD v4.1: 1 of 1,614,206 alleles (0.000062%); highest among the groups gnomAD compares: African/African-American, 0.0013%; no homozygotes.

Submission:

Labcorp Genetics (formerly Invitae), Labcorp
Classification: Uncertain significance for Leber congenital amaurosis 3. Last evaluated: 2022-03-10. Review status: criteria provided, single submitter. Criteria: Invitae Variant Classification Sherloc (09022015). Collection method: clinical testing. Allele origin: germline.
Comment: In summary, the available evidence is currently insufficient to determine the role of this variant in disease. Therefore, it has been classified as a Variant of Uncertain Significance. Algorithms developed to predict the effect of missense changes on protein structure and function output the following: SIFT: "Deleterious"; PolyPhen-2: "Benign"; Align-GVGD: "Class C0". The threonine amino acid residue is found in multiple mammalian species, which suggests that this missense change does not adversely affect protein function. ClinVar contains an entry for this variant (Variation ID: 1053513). This variant has not been reported in the literature in individuals affected with SPATA7-related conditions. This variant is present in population databases (rs781595295, gnomAD 0.007%). This sequence change replaces serine, which is neutral and polar, with threonine, which is neutral and polar, at codon 222 of the SPATA7 protein (p.Ser222Thr).